The following is an entry in ClinVar:

NM_024675.4(PALB2):c.-2dup

Gene: PALB2 (partner and localizer of BRCA2; minus strand). Cytogenetic location: 16p12.2.
Variant type: Duplication.
Coding change: c.-2dup on transcript NM_024675.4 (MANE Select); 2 bases upstream of the start codon, one base duplicated (C; older notation c.-2dupC).
Molecular consequence: 5 prime UTR variant.
Genome position (GRCh38, 1-based): chr16:23,641,159, G duplicated on the plus strand (C on the coding strand, the reverse complement: PALB2 is on the minus strand); the first of 3 consecutive G bases (chr16:23,641,159-23,641,161); duplicating any one gives the same sequence. VCF-style (leftmost placement, unchanged base first): chr16-23641158-C-CG. GRCh37 (hg19) VCF-style: chr16-23652479-C-CG.
Other names: c.-2dup (NM_001407296.1, NM_001407297.1, NM_001407298.1 and 5 more transcripts); c.-1745dup (NM_001407304.1, NM_001407310.1); c.-1021dup (NM_001407305.1, NM_001407307.1, NM_001407309.1 and 1 more transcripts); c.-870dup (NM_001407306.1, NM_001407308.1); c.-154dup (NM_001407312.1, NM_001407313.1); c.-2dupC (NM_024675.3).
Identifiers: ClinVar variation 5026175 (VCV005026175.1).
Genomic context (GRCh38, chr16:23,641,158, plus strand): 5'-CACCCCCGGCACCTTTTCCTTCTCCTCACAGCTGAGGGGCTTCCCGGGAGGCTCGTCCAT[C>CG]GGGCAGGCGACAGAACGAAAAGAGCAGCCGTCGCCGACCCCAGGCCTGCCGACACCGGGA-3'

ClinVar aggregate classification (germline): Uncertain significance (1 of 4 stars; one submission).

Conditions:
Hereditary cancer-predisposing syndrome. Also called: Neoplastic Syndromes, Hereditary; Tumor predisposition; Hereditary neoplastic syndrome; Hereditary Cancer Syndrome. Identifiers: Orphanet 140162, MedGen C0027672, MeSH D009386, MONDO:0015356.

Submission:

Ambry Genetics
Classification: Uncertain significance for Hereditary cancer-predisposing syndrome. Last evaluated: 2026-07-16. Review status: criteria provided, single submitter. Criteria: Ambry Variant Classification Scheme 2023. Collection method: clinical testing. Allele origin: germline.
Comment: The c.-2dupC variant is located in the 5 prime untranslated region (5'UTR) of the PALB2 gene. This variant results from a duplication of a single nucleotide at nucleotide position -2 upstream from the first translated codon. This nucleotide position is not well conserved in available vertebrate species. Based on the available evidence, the clinical significance of this variant remains unclear.